The following is an entry in ClinVar:

NM_000256.3(MYBPC3):c.2533C>T (p.Arg845Cys)

Gene: MYBPC3 (myosin binding protein C3; minus strand). Cytogenetic location: 11p11.2.
Variant type: single nucleotide variant.
Coding change: c.2533C>T on transcript NM_000256.3 (MANE Select); coding-DNA position 2533, C replaced by T.
Protein change: p.Arg845Cys; replaces arginine 845 with cysteine.
Molecular consequence: missense variant.
Genome position (GRCh38, 1-based): chr11:47,337,460, G>A on the plus strand (C>T on the coding strand, the complement: MYBPC3 is on the minus strand). VCF-style: chr11-47337460-G-A. GRCh37 (hg19) VCF-style: chr11-47359011-G-A.
Other names: short protein forms R845C.
Identifiers: ClinVar variation 177830 (VCV000177830.11), dbSNP rs727504345, ClinGen allele CA012513.

ClinVar aggregate classification (germline): Uncertain significance. Review status: criteria provided, multiple submitters, no conflicts (2 of 4 stars). 4 submissions from 4 submitters: Uncertain significance (4). Last evaluated 2024-02-22.

Conditions:
Hypertrophic cardiomyopathy. Also called: HYPERTROPHIC MYOCARDIOPATHY. Identifiers: Orphanet 217569, MedGen C0007194, MeSH D002312, MONDO:0005045, HP:0001639.

Allele frequency attached by ClinVar (database versions not stated): TOPMed below 0.00001.
gnomAD v4.1: 6 of 1,613,578 alleles (0.00037%); highest among the groups gnomAD compares: Non-Finnish European, 0.00025%; no homozygotes.

Submissions (4):

All of Us Research Program, National Institutes of Health
Classification: Uncertain significance for Hypertrophic cardiomyopathy. Last evaluated: 2024-02-22. Review status: criteria provided, single submitter. Criteria: ACMG Guidelines, 2015. Collection method: clinical testing. Allele origin: germline. Inheritance: Autosomal dominant inheritance. Observed: 1 variant allele, 1 heterozygote.
Comment: This missense variant replaces arginine with cysteine at codon 845 of the MYBPC3 protein. Computational prediction tools indicate that this variant has a deleterious impact on protein structure and function. To our knowledge, functional studies have not been reported for this variant. This variant has been reported in one individual affected with hypertrophic cardiomyopathy (PMID: 25611685, 27532257). This variant has not been identified in the general population by the Genome Aggregation Database (gnomAD). The available evidence is insufficient to determine the role of this variant in disease conclusively. Therefore, this variant is classified as a Variant of Uncertain Significance.

This study involves interpretation of variants in research participants for the purpose of population health screening. Participant phenotype was not available at the time of variant classification. Additional details can be found in publication PMID: 35346344, PMCID: PMC8962531

Labcorp Genetics (formerly Invitae), Labcorp
Classification: Uncertain significance for Hypertrophic cardiomyopathy. Last evaluated: 2022-09-22. Review status: criteria provided, single submitter. Criteria: Invitae Variant Classification Sherloc (09022015). Collection method: clinical testing. Allele origin: germline.
Comment: In summary, the available evidence is currently insufficient to determine the role of this variant in disease. Therefore, it has been classified as a Variant of Uncertain Significance. This variant disrupts the p.Arg845 amino acid residue in MYBPC3. Other variant(s) that disrupt this residue have been determined to be pathogenic (PMID: 28615295, 33782553). This suggests that this residue is clinically significant, and that variants that disrupt this residue are likely to be disease-causing. Algorithms developed to predict the effect of sequence changes on RNA splicing suggest that this variant may create or strengthen a splice site. Algorithms developed to predict the effect of missense changes on protein structure and function (SIFT, PolyPhen-2, Align-GVGD) all suggest that this variant is likely to be disruptive. ClinVar contains an entry for this variant (Variation ID: 177830). This missense change has been observed in individual(s) with hypertrophic cardiomyopathy (PMID: 27532257). This variant is not present in population databases (gnomAD no frequency). This sequence change replaces arginine, which is basic and polar, with cysteine, which is neutral and slightly polar, at codon 845 of the MYBPC3 protein (p.Arg845Cys).

Blueprint Genetics
Classification: Uncertain significance. Last evaluated: 2022-06-06. Review status: criteria provided, single submitter. Criteria: ACMG Guidelines, 2015. Collection method: clinical testing. Allele origin: germline.

Laboratory for Molecular Medicine, Mass General Brigham Personalized Medicine
Classification: Uncertain significance. Last evaluated: 2019-08-02. Review status: criteria provided, single submitter. Criteria: LMM Criteria. Collection method: clinical testing. Allele origin: germline. Observed: 4 variant alleles.
Comment: The p.Arg845Cys variant in MYBPC3 has been identified in 1 individual with HCM and in 3 unaffected relatives between the ages of 50-95 years old (LMM data). It was absent from large population studies. Computational prediction tools and conservation analysis suggest that the p.Arg845Cys variant may impact the protein, though this information is not predictive enough to determine pathogenicity. In summary, the clinical significance of this variant is uncertain. ACMG/AMP Criteria applied: PM2, PP3.

Literature cited by the submitters: PubMed 25611685 (cited by All of Us Research Program, National Institutes of Health); PubMed 27532257 (cited by All of Us Research Program, National Institutes of Health and Labcorp Genetics (formerly Invitae), Labcorp); PubMed 28615295 (cited by Labcorp Genetics (formerly Invitae), Labcorp); PubMed 33782553 (cited by Labcorp Genetics (formerly Invitae), Labcorp).